The following is an entry in ClinVar:

ClinVar aggregate classification (germline): Uncertain significance (1 of 4 stars; one submission).

Submission:

Laboratory for Molecular Medicine, Mass General Brigham Personalized Medicine
Classification: Uncertain significance. Last evaluated: 2013-08-14. Review status: criteria provided, single submitter. Criteria: LMM Criteria. Collection method: clinical testing. Allele origin: germline. Observed: 2 variant alleles.
Comment: Variant classified as Uncertain Significance - Favor Benign. The Thr645Ile varia nt in USH2A has not been reported in affected individuals or in large population studies. This amino acid is not conserved in mammals, including primates, and c omputational analyses (biochemical amino acid properties, conservation, AlignGVG D, PolyPhen2, and SIFT) suggest that the Thr645Ile variant may not impact the pr otein, though this information is not predictive enough to rule out pathogenicit y. In summary, additional information is needed to determine the clinical signif icance of this variant; however, we would lean towards a more likely benign role .

NM_206933.4(USH2A):c.1934C>T (p.Thr645Ile)

Gene: USH2A (usherin; minus strand). Cytogenetic location: 1q41.
Variant type: single nucleotide variant.
Coding change: c.1934C>T on transcript NM_206933.4 (MANE Select); coding-DNA position 1934, C replaced by T.
Protein change: p.Thr645Ile; replaces threonine 645 with isoleucine.
Molecular consequence: missense variant.
Genome position (GRCh38, 1-based): chr1:216,289,317, G>A on the plus strand (C>T on the coding strand, the complement: USH2A is on the minus strand). VCF-style: chr1-216289317-G-A. GRCh37 (hg19) VCF-style: chr1-216462659-G-A.
Other names: c.1934C>T, p.Thr645Ile (NM_007123.6); short protein forms T645I.
Identifiers: ClinVar variation 48479 (VCV000048479.5), dbSNP rs397518004, ClinGen allele CA143427.